The following is an entry in ClinVar:

ClinVar aggregate classification (germline): Uncertain significance. Review status: criteria provided, multiple submitters, no conflicts (2 of 4 stars). 2 submissions from 2 submitters: Uncertain significance (2). Last evaluated 2023-12-05.

Submissions (2):

GeneDx
Classification: Uncertain significance. Last evaluated: 2023-12-05. Review status: criteria provided, single submitter. Criteria: GeneDx Variant Classification Process June 2021. Collection method: clinical testing. Allele origin: germline. Affected: yes.
Comment: Not observed at significant frequency in large population cohorts (gnomAD); In silico analysis supports that this missense variant has a deleterious effect on protein structure/function; Has not been previously published as pathogenic or benign to our knowledge

Labcorp Genetics (formerly Invitae), Labcorp
Classification: Uncertain significance. Last evaluated: 2022-11-10. Review status: criteria provided, single submitter. Criteria: Invitae Variant Classification Sherloc (09022015). Collection method: clinical testing. Allele origin: germline.
Comment: In summary, the available evidence is currently insufficient to determine the role of this variant in disease. Therefore, it has been classified as a Variant of Uncertain Significance. Algorithms developed to predict the effect of missense changes on protein structure and function are either unavailable or do not agree on the potential impact of this missense change (SIFT: "Deleterious"; PolyPhen-2: "Probably Damaging"; Align-GVGD: "Class C0"). This variant has not been reported in the literature in individuals affected with KMT2C-related conditions. This variant is not present in population databases (gnomAD no frequency). This sequence change replaces proline, which is neutral and non-polar, with serine, which is neutral and polar, at codon 4713 of the KMT2C protein (p.Pro4713Ser).

NM_170606.3(KMT2C):c.14137C>T (p.Pro4713Ser)

Gene: KMT2C (lysine methyltransferase 2C; minus strand). Cytogenetic location: 7q36.1.
Variant type: single nucleotide variant.
Coding change: c.14137C>T on transcript NM_170606.3 (MANE Select); coding-DNA position 14137, C replaced by T.
Protein change: p.Pro4713Ser; replaces proline 4713 with serine.
Molecular consequence: missense variant.
Genome position (GRCh38, 1-based): chr7:152,145,190, G>A on the plus strand (C>T on the coding strand, the complement: KMT2C is on the minus strand). VCF-style: chr7-152145190-G-A. GRCh37 (hg19) VCF-style: chr7-151842275-G-A.
Other names: c.14137C>T (NM_170606.2); short protein forms P4713S.
Identifiers: ClinVar variation 1947947 (VCV001947947.6), dbSNP rs2129093273, ClinGen allele CA370088108.